The following is an entry in ClinVar:

NM_000157.4(GBA1):c.703T>C (p.Ser235Pro)

Genes: GBA1 (glucosylceramidase beta 1; minus strand), LOC106627981 (GBA recombination region; plus strand). Cytogenetic location: 1q22.
Variant type: single nucleotide variant.
Coding change: c.703T>C on transcript NM_000157.4 (MANE Select); coding-DNA position 703, T replaced by C.
Protein change: p.Ser235Pro; replaces serine 235 with proline.
Molecular consequence: missense variant.
Genome position (GRCh38, 1-based): chr1:155,238,192, A>G on the plus strand (T>C on the coding strand, the complement: GBA1 is on the minus strand). VCF-style: chr1-155238192-A-G. GRCh37 (hg19) VCF-style: chr1-155207983-A-G.
Other names: c.703T>C, p.Ser235Pro (NM_001005741.3, NM_001005742.3); c.442T>C, p.Ser148Pro (NM_001171811.2); c.556T>C, p.Ser186Pro (NM_001171812.2); c.703T>C (NM_001005741.1, NM_001005742.2); short protein forms S235P, S148P, S186P.
Identifiers: ClinVar variation 21072 (VCV000021072.21), dbSNP rs1064644, ClinGen allele CA341581.

ClinVar aggregate classification (germline): Pathogenic/Likely pathogenic. Review status: criteria provided, multiple submitters, no conflicts (2 of 4 stars). 10 submissions from 10 submitters: Pathogenic (8); Likely pathogenic (1). 1 of the submissions does not count toward it. Last evaluated 2025-01-29.

Conditions:
GBA-related disorder. Also called: GBA-related disorders.
Gaucher disease type I (GD1). Also called: ACID BETA-GLUCOSIDASE DEFICIENCY; GAUCHER DISEASE, NONCEREBRAL JUVENILE; GBA DEFICIENCY; Type 1 Gaucher Disease; GD I; GLUCOCEREBROSIDASE DEFICIENCY. Identifiers: Orphanet 355, Orphanet 77259, MedGen C1961835, MONDO:0009265, OMIM 230800.
Gaucher disease type II (GD2). Also called: GAUCHER DISEASE, ACUTE NEURONOPATHIC TYPE; Acute neuronopathic Gaucher's disease; Type 2 Gaucher disease (Acute; Infantile); GD II. Identifiers: Orphanet 77260, MedGen C0268250, MONDO:0009266, OMIM 230900.
Gaucher disease type III. Also called: GAUCHER DISEASE, CHRONIC NEURONOPATHIC TYPE; GAUCHER DISEASE, JUVENILE AND ADULT, CEREBRAL; GAUCHER DISEASE, SUBACUTE NEURONOPATHIC TYPE; Subacute neuronopathic Gaucher's disease; Type 3 Gaucher disease (Subacute; Juvenile); GD III. Identifiers: Orphanet 355, Orphanet 77261, MedGen C0268251, MONDO:0009267, OMIM 231000.
Gaucher disease-ophthalmoplegia-cardiovascular calcification syndrome. Also called: GAUCHER DISEASE, TYPE IIIC. Identifiers: Orphanet 2072, MedGen C1856476, MONDO:0009268, OMIM 231005.
Parkinson disease, late-onset (PD). Also called: Susceptibility to Parkinson's Disease; Hereditary late onset Parkinson disease; PARKINSON DISEASE, LATE-ONSET, SUSCEPTIBILITY TO. Identifiers: Orphanet 411602, MedGen C3160718, MONDO:0008199, OMIM 168600.
Gaucher disease perinatal lethal. Also called: Gaucher disease collodion type; Gaucher Disease, Perinatal-Lethal Form. Identifiers: Orphanet 85212, MedGen C1842704, MONDO:0011945, OMIM 608013.
Lewy body dementia (DLB). Also called: Lewy Body Disease. Identifiers: MedGen C0752347, MONDO:0007488, OMIM 127750.
Gaucher disease. Also called: Acute cerebral Gaucher disease; Cerebroside lipidosis syndrome; Gaucher splenomegaly; Sphingolipidosis 1; Glucocerebrosidosis; Glucosylceramidase deficiency. Identifiers: Orphanet 355, MedGen C0017205, MONDO:0018150.

Allele frequency attached by ClinVar (database versions not stated): ExAC 0.00001; gnomAD exomes 0.00001.

Submissions (10):

Natera, Inc.
Classification: Pathogenic for Gaucher disease. Last evaluated: 2025-01-29. Review status: criteria provided, single submitter. Criteria: Natera Variant Classification Schema (03/2026). Collection method: clinical testing. Allele origin: germline.
Comment: The c.703T>C variant in GBA1 is a missense variant predicted to cause substitution of serine to proline at amino acid 235. This variant is rare in the general population with a frequency below the threshold expected for the associated phenotype(s). This variant has been observed in one or more individuals affected with the associated recessive disease, as either homozygous or compound heterozygous with a second variant (PMID: 10744424, 10685993, 34134921, 10796875, 12204005, 11825063). Additionally, this variant has been observed to segregate in affected family members (PMID: 10685993). Functional studies show that this variant may disrupt protein function (PMID: 12734541). Given the available evidence, this variant is classified as Pathogenic.

Blueprint Genetics
Classification: Pathogenic for GBA-related disorders. Last evaluated: 2023-03-24. Review status: criteria provided, single submitter. Criteria: ACMG Guidelines, 2015. Collection method: clinical testing. Allele origin: germline. Affected: yes. Observed: 5 variant alleles.

Institute for Clinical Genetics, University Hospital TU Dresden, University Hospital TU Dresden
Classification: Pathogenic. Last evaluated: 2021-11-03. Review status: criteria provided, single submitter. Criteria: ACMG Guidelines, 2015. Collection method: clinical testing. Allele origin: germline.

Fulgent Genetics
Classification: Pathogenic for Lewy body dementia; Parkinson disease, late-onset; Gaucher disease type I; Gaucher disease type II; Gaucher disease type III; Gaucher disease-ophthalmoplegia-cardiovascular calcification syndrome; Gaucher disease perinatal lethal. Last evaluated: 2021-09-29. Review status: criteria provided, single submitter. Criteria: ACMG Guidelines, 2015. Collection method: clinical testing. Allele origin: unknown.

Broad Center for Mendelian Genomics, Broad Institute of MIT and Harvard
Classification: Pathogenic for Gaucher disease. Last evaluated: 2020-01-13. Review status: criteria provided, single submitter. Criteria: ACMG Guidelines, 2015. Collection method: curation. Allele origin: germline. Inheritance: Autosomal recessive inheritance.
Comment: The p.Ser235Pro variant in GBA has been reported in at least 6 individuals with Gaucher disease (PMID: 12204005, 28727984, 22526844, 10796875, 10649495) and has been identified in 0.006% (2/34582) of Latino chromosomes by the Genome Aggregation Database (gnomAD; dbSNP rs1064644). Although this variant has been seen in the general population, its frequency is low enough to be consistent with a recessive carrier frequency. This variant has also been reported in ClinVar (VariationID: 21072) as pathogenic by Integrated Genetics and Shahid Beheshti University of Medical Sciences. In vitro functional studies provide some evidence that the p.Ser235Pro variant may impact protein function (PMID: 22526844). However, these types of assays may not accurately represent biological function. Computational prediction tools and conservation analyses do not provide strong support for or against an impact to the protein. The presence of this variant in 2 affected homozygotes and in combination with reported pathogenic variants in 4 individuals with Gaucher disease increases the likelihood that the p.Ser235Pro variant is pathogenic (VariationID: 4288, 4290, 65570; PMID: 12204005, 28727984, 22526844, 10796875, 10649495). In summary, this variant meets criteria to be classified as pathogenic for Gaucher disease in an autosomal recessive manner based on its presence in affected homozygotes and compound heterozygotes, functional studies, and low frequency in the general population. ACMG/AMP Criteria applied: PM3_strong, PS3, PM2 (Richards 2015).

Genomic Research Center, Shahid Beheshti University of Medical Sciences
Classification: Pathogenic for Gaucher disease perinatal lethal. Last evaluated: 2017-12-03. Review status: criteria provided, single submitter. Criteria: ACMG Guidelines, 2015. Collection method: clinical testing. Allele origin: inherited. Affected: yes.

Women's Health and Genetics/Laboratory Corporation of America, LabCorp
Classification: Pathogenic for Gaucher disease. Last evaluated: 2017-06-19. Review status: criteria provided, single submitter. Criteria: LabCorp Variant Classification Summary - May 2015. Collection method: clinical testing. Allele origin: germline.
Comment: Variant summary: The GBA c.703T>C (p.Ser235Pro) missense variant (alternatively also known as S196P) involves the alteration of a non-conserved nucleotide, is located in glycosyl hydrolase family 30, TIM-barrel domain of the protein (InterPro) and is predicted to be damaging by 3/4 in silico tools. This variant was found in 1/120788 control chromosomes from ExAC at a frequency of 0.0000083, which does not exceed the estimated maximal expected allele frequency of a pathogenic GBA variant (0.005). This variant has been reported in at least six patients with Gaucher disease in homozygous as well as in compound heterozygous state with other pathogenic variants (Hodanova_1999, Stone_2000, Koprivica_2000, Filocamo_2002), including evidence of cosegregation with disease in one family. Two homozygous patients had type 2 GD, suggesting it could be a severe mutation. An in-vitro study in recombinant virus system showed that this variant severely reduces enzymatic activity (5.07+/-0.49% of normal activity) without affecting protein expression and such enzymatic deficiency is consistent with that seen in patient cells (Stone_2000, Hodanova_2003). One reputable database (via ClinVar) has classified it as pathogenic. Taken together, this variant is classified as pathogenic.

Ambry Genetics
Classification: Likely pathogenic. Last evaluated: 2016-12-13. Review status: criteria provided, single submitter. Criteria: Ambry Variant Classification Scheme 2023. Collection method: clinical testing. Allele origin: germline.
Comment: The p.S235P variant (also known as c.703T>C), located in coding exon 6 of the GBA gene, results from a T to C substitution at nucleotide position 703. The serine at codon 235 is replaced by proline, an amino acid with similar properties. This alteration (referred to as S196P) has been described in individuals with Gaucher disease, who were either homozygous for this alteration or had another alteration in the second allele (Stone DL et al. Hum. Mutat., 2000;15:181-8; Hodanov&aacute; K et al. Blood Cells Mol. Dis. 1999;25:287-98; Filocamo M et al. Hum. Mutat., 2002 Sep;20:234-5). This amino acid position is not well conserved in available vertebrate species. In addition, this alteration is predicted to be deleterious by in silico analysis. Based on the majority of available evidence to date, this variant is likely to be pathogenic.

Baylor Genetics
Classification: Pathogenic for Gaucher disease type I; Gaucher disease type II; Gaucher disease type III; Gaucher disease-ophthalmoplegia-cardiovascular calcification syndrome. Review status: criteria provided, single submitter. Criteria: ACMG Guidelines, 2015. Collection method: clinical testing. Allele origin: germline.

GeneReviews
No classification provided. Condition: Gaucher disease. Review status: no classification provided. Collection method: literature only. Allele origin: germline. Not counted in ClinVar's aggregate classification.

Literature cited by the submitters: PubMed 10744424 (cited by Natera, Inc. and Ambry Genetics); PubMed 10685993 (cited by Natera, Inc. and GeneReviews); PubMed 34134921 (cited by Natera, Inc.); PubMed 10796875 (cited by 3 submitters); PubMed 12204005 (cited by 3 submitters); PubMed 11825063 (cited by Natera, Inc.); PubMed 12734541 (cited by Natera, Inc.); PubMed 28727984 (cited by Broad Center for Mendelian Genomics, Broad Institute of MIT and Harvard); PubMed 10649495 (cited by 3 submitters); PubMed 22526844 (cited by Broad Center for Mendelian Genomics, Broad Institute of MIT and Harvard).